The following is an entry in ClinVar:

NM_000143.4(FH):c.1533A>T (p.Ter511Cys)

Gene: FH (fumarate hydratase; minus strand). Cytogenetic location: 1q43.
Variant type: single nucleotide variant.
Coding change: c.1533A>T on transcript NM_000143.4 (MANE Select); coding-DNA position 1533, A replaced by T.
Protein change: p.Ter511Cys.
Molecular consequence: stop lost.
Genome position (GRCh38, 1-based): chr1:241,497,828, T>A on the plus strand (A>T on the coding strand, the complement: FH is on the minus strand). VCF-style: chr1-241497828-T-A. GRCh37 (hg19) VCF-style: chr1-241661128-T-A.
Identifiers: ClinVar variation 3850220 (VCV003850220.1).
Genomic context (GRCh38, chr1:241,497,828, plus strand): 5'-AATGGGAGTCTGTTTTTTTAAATTTTATACATGTTTATTTTCATTATAAATTTATGTAAA[T>A]CACTTTGGACCCAGCATGTCCTTAGGTTTTACCCATTCGTCAAACTGCTCTGCTGTGAGA-3'

ClinVar aggregate classification (germline): Uncertain significance (1 of 4 stars; one submission).

Conditions:
Hereditary cancer-predisposing syndrome. Also called: Hereditary neoplastic syndrome; Neoplastic Syndromes, Hereditary; Tumor predisposition; Hereditary Cancer Syndrome. Identifiers: Orphanet 140162, MedGen C0027672, MeSH D009386, MONDO:0015356.

gnomAD v4.1: 2 of 1,596,760 alleles (0.00013%); highest among the groups gnomAD compares: African/African-American, 0.0013%; no homozygotes.

Submission:

Ambry Genetics
Classification: Uncertain significance for Hereditary cancer-predisposing syndrome. Last evaluated: 2025-01-03. Review status: criteria provided, single submitter. Criteria: Ambry Variant Classification Scheme 2023. Collection method: clinical testing. Allele origin: germline.
Comment: The c.1533A>T variant (also known as p.*511Cext*3), located in coding exon 10 of the FH gene, results from an A to T substitution at nucleotide position 1533, which is the last nucleotide of the FH gene. The stop codon at position 511 is replaced by Cysteine, resulting in an elongation of the protein by 3 amino acids. The exact functional effect of the additional amino acids is unknown. Based on the available evidence, the clinical significance of this variant remains unclear.